The following is an entry in ClinVar:

NM_004423.4(DVL3):c.1933C>T (p.Arg645Cys)

Gene: DVL3 (dishevelled segment polarity protein 3; plus strand). Cytogenetic location: 3q27.1.
Variant type: single nucleotide variant.
Coding change: c.1933C>T on transcript NM_004423.4 (MANE Select); coding-DNA position 1933, C replaced by T.
Protein change: p.Arg645Cys; replaces arginine 645 with cysteine.
Molecular consequence: missense variant.
Genome position (GRCh38, 1-based): chr3:184,170,537, C>T. VCF-style: chr3-184170537-C-T. GRCh37 (hg19) VCF-style: chr3-183888325-C-T.
Other names: c.1933C>T (NM_004423.3); short protein forms R645C.
Identifiers: ClinVar variation 2806848 (VCV002806848.6), dbSNP rs1054379626, ClinGen allele CA88856154.

ClinVar aggregate classification (germline): Uncertain significance. Review status: criteria provided, multiple submitters, no conflicts (2 of 4 stars). 3 submissions from 3 submitters: Uncertain significance (3). Last evaluated 2025-08-08.

Conditions:
Inborn genetic diseases. Identifiers: MedGen C0950123, MeSH D030342.

Allele frequency attached by ClinVar (database versions not stated): gnomAD 0.00001; TOPMed below 0.00001.

Submissions (3):

Dasa
Classification: Uncertain significance. Last evaluated: 2025-08-08. Review status: criteria provided, single submitter. Criteria: DASA Assertion Criteria. Collection method: clinical testing. Allele origin: germline.
Comment: NM_004423.4(DVL3):c.1933C>T (p.Arg645Cys) is a missense variant that results in the substitution of arginine with cysteine. This variant is rare in population databases. Computational prediction algorithms are consistent with a benign effect. The currently available literature and clinical evidence are not sufficient to establish a definitive association between this variant and the reported condition. Therefore, this variant is classified as a variant of uncertain significance.

Ambry Genetics
Classification: Uncertain significance for Inborn genetic diseases. Last evaluated: 2024-11-10. Review status: criteria provided, single submitter. Criteria: Ambry Variant Classification Scheme 2023. Collection method: clinical testing. Allele origin: germline.

Labcorp Genetics (formerly Invitae), Labcorp
Classification: Uncertain significance. Last evaluated: 2023-10-22. Review status: criteria provided, single submitter. Criteria: Invitae Variant Classification Sherloc (09022015). Collection method: clinical testing. Allele origin: germline.
Comment: This sequence change replaces arginine, which is basic and polar, with cysteine, which is neutral and slightly polar, at codon 645 of the DVL3 protein (p.Arg645Cys). This variant is not present in population databases (gnomAD no frequency). This variant has not been reported in the literature in individuals affected with DVL3-related conditions. An algorithm developed to predict the effect of missense changes on protein structure and function (PolyPhen-2) suggests that this variant is likely to be disruptive. In summary, the available evidence is currently insufficient to determine the role of this variant in disease. Therefore, it has been classified as a Variant of Uncertain Significance.